The following is an entry in ClinVar:

ClinVar aggregate classification (germline): Uncertain significance. Review status: criteria provided, multiple submitters, no conflicts (2 of 4 stars). 3 submissions from 3 submitters: Uncertain significance (3). Last evaluated 2024-09-23.

Conditions:
Neurofibromatosis, type 1 (NF1). Also called: Neurofibromatosis, type I; Peripheral type neurofibromatosis; VON RECKLINGHAUSEN DISEASE; NEUROFIBROMATOSIS, TYPE I, SOMATIC. Identifiers: Orphanet 636, MedGen C0027831, MONDO:0018975, OMIM 162200. Disease mechanism: loss of function.
Hereditary cancer-predisposing syndrome. Also called: Neoplastic Syndromes, Hereditary; Hereditary Cancer Syndrome; Hereditary neoplastic syndrome; Tumor predisposition. Identifiers: Orphanet 140162, MedGen C0027672, MeSH D009386, MONDO:0015356.
Cardiovascular phenotype. Identifiers: MedGen CN230736.

Allele frequency attached by ClinVar (database versions not stated): gnomAD exomes below 0.00001.
gnomAD v4.1: 1 of 1,614,024 alleles (0.000062%); highest among the groups gnomAD compares: South Asian, 0.0011%; no homozygotes.

Submissions (3):

Labcorp Genetics (formerly Invitae), Labcorp
Classification: Uncertain significance for Neurofibromatosis, type 1. Last evaluated: 2024-09-23. Review status: criteria provided, single submitter. Criteria: Invitae Variant Classification Sherloc (09022015). Collection method: clinical testing. Allele origin: germline.
Comment: This sequence change replaces leucine, which is neutral and non-polar, with proline, which is neutral and non-polar, at codon 1297 of the NF1 protein (p.Leu1297Pro). This variant is not present in population databases (gnomAD no frequency). This variant has not been reported in the literature in individuals affected with NF1-related conditions. ClinVar contains an entry for this variant (Variation ID: 824344). Invitae Evidence Modeling of protein sequence and biophysical properties (such as structural, functional, and spatial information, amino acid conservation, physicochemical variation, residue mobility, and thermodynamic stability) indicates that this missense variant is expected to disrupt NF1 protein function with a positive predictive value of 95%. In summary, the available evidence is currently insufficient to determine the role of this variant in disease. Therefore, it has been classified as a Variant of Uncertain Significance.

Ambry Genetics
Classification: Uncertain significance for Cardiovascular phenotype; Hereditary cancer-predisposing syndrome. Last evaluated: 2022-05-23. Review status: criteria provided, single submitter. Criteria: Ambry Variant Classification Scheme 2023. Collection method: clinical testing. Allele origin: germline.
Comment: The p.L1297P variant (also known as c.3890T>C), located in coding exon 29 of the NF1 gene, results from a T to C substitution at nucleotide position 3890. The leucine at codon 1297 is replaced by proline, an amino acid with similar properties. This amino acid position is highly conserved in available vertebrate species. In addition, this alteration is predicted to be deleterious by in silico analysis. Since supporting evidence is limited at this time, the clinical significance of this alteration remains unclear.

Genome-Nilou Lab
Classification: Uncertain significance for Neurofibromatosis, type 1. Last evaluated: 2022-03-15. Review status: criteria provided, single submitter. Criteria: ACMG Guidelines, 2015. Collection method: clinical testing. Allele origin: germline. Affected: no.

NM_001042492.3(NF1):c.3890T>C (p.Leu1297Pro)

Gene: NF1 (neurofibromin 1; plus strand). Cytogenetic location: 17q11.2.
Variant type: single nucleotide variant.
Coding change: c.3890T>C on transcript NM_001042492.3 (MANE Select); coding-DNA position 3890, T replaced by C.
Protein change: p.Leu1297Pro; replaces leucine 1297 with proline.
Molecular consequence: missense variant.
Genome position (GRCh38, 1-based): chr17:31,235,937, T>C. VCF-style: chr17-31235937-T-C. GRCh37 (hg19) VCF-style: chr17-29562955-T-C.
Other names: c.3890T>C, p.Leu1297Pro (NM_000267.4); short protein forms L1297P.
Identifiers: ClinVar variation 824344 (VCV000824344.10), dbSNP rs1597722927, ClinGen allele CA398993047.
Genomic context (GRCh38, chr17:31,235,937, plus strand): 5'-TGGAGCAGGTATAATAAACTCCTATTCGTGCATTTCTGTAGGTATATGGTGCTACCTATC[T>C]ACAAAAACTCCTGGATCCTTTATTACGAATTGTGATCACATCCTCTGATTGGCAACATGT-3'
Protein context (NP_001035957.1, residues 1287-1307): FCFKVYGATY[Leu1297Pro]QKLLDPLLRI